The following is an entry in ClinVar:

NM_145290.4(ADGRA3):c.1976A>C (p.Asp659Ala)

Gene: ADGRA3 (adhesion G protein-coupled receptor A3; minus strand). Cytogenetic location: 4p15.2.
Variant type: single nucleotide variant.
Coding change: c.1976A>C on transcript NM_145290.4 (MANE Select); coding-DNA position 1976, A replaced by C.
Protein change: p.Asp659Ala; replaces aspartic acid 659 with alanine.
Molecular consequence: missense variant.
Genome position (GRCh38, 1-based): chr4:22,413,648, T>G on the plus strand (A>C on the coding strand, the complement: ADGRA3 is on the minus strand). VCF-style: chr4-22413648-T-G. GRCh37 (hg19) VCF-style: chr4-22415271-T-G.
Other names: short protein forms D659A.
Identifiers: ClinVar variation 4761696 (VCV004761696.1).
Genomic context (GRCh38, chr4:22,413,648, plus strand): 5'-GCCACATACAAACCTATTTTGGTGAGAATCACAGGGGTAACCACAGTACGTCGTTTTCCA[T>G]CATCAGCCAAATTTGTTGAATTTCCAGTGGCTGGAAAAAGCTTTCCATTGCGGAATGCAA-3'
Protein context (NP_660333.2, residues 649-669): ATGNSTNLAD[Asp659Ala]GKRRTVVTPV

ClinVar aggregate classification (germline): Uncertain significance (1 of 4 stars; one submission).

gnomAD v4.1: 9 of 1,613,924 alleles (0.00056%); highest among the groups gnomAD compares: African/African-American, 0.0013%; no homozygotes.

Submission:

Labcorp Genetics (formerly Invitae), Labcorp
Classification: Uncertain significance. Last evaluated: 2025-09-08. Review status: criteria provided, single submitter. Criteria: Invitae Variant Classification Sherloc (09022015). Collection method: clinical testing. Allele origin: germline.
Comment: This sequence change replaces aspartic acid, which is acidic and polar, with alanine, which is neutral and non-polar, at codon 659 of the ADGRA3 protein (p.Asp659Ala). This variant is not present in population databases (gnomAD no frequency). This variant has not been reported in the literature in individuals affected with ADGRA3-related conditions. An algorithm developed to predict the effect of missense changes on protein structure and function (PolyPhen-2) suggests that this variant is likely to be tolerated. In summary, the available evidence is currently insufficient to determine the role of this variant in disease. Therefore, it has been classified as a Variant of Uncertain Significance.